The following is an entry in ClinVar:

ClinVar aggregate classification (germline): Pathogenic/Likely pathogenic. Review status: criteria provided, multiple submitters, no conflicts (2 of 4 stars). 4 submissions from 4 submitters: Pathogenic (2); Likely pathogenic (2). Last evaluated 2025-08-22.

Conditions:
Nonsyndromic genetic hearing loss. Also called: Nonsyndromic hearing loss and deafness; Non-syndromic genetic deafness; Nonsyndromic genetic deafness. Identifiers: Orphanet 87884, MedGen C5680182, MONDO:0019497.
Autosomal recessive nonsyndromic hearing loss 1A (DFNB1A). Also called: GJB6-Related DFNB 1 Nonsyndromic Hearing Loss and Deafness; Deafness, autosomal recessive 1A; Connexin 26 deafness; Deafness nonsyndromic, Connexin 26 linked; Nonsyndromic Hearing Loss and Deafness, DFNB1; GJB2-Related Autosomal Recessive Nonsyndromic Hearing Loss. Identifiers: Orphanet 90636, MedGen C2673759, MONDO:0009076, OMIM 220290.

Allele frequency attached by ClinVar (database versions not stated): gnomAD exomes below 0.00001; gnomAD 0.00002; TOPMed 0.00002.

Submissions (4):

Labcorp Genetics (formerly Invitae), Labcorp
Classification: Likely pathogenic. Last evaluated: 2025-08-22. Review status: criteria provided, single submitter. Criteria: Invitae Variant Classification Sherloc (09022015). Collection method: clinical testing. Allele origin: germline.
Comment: This sequence change replaces histidine, which is basic and polar, with leucine, which is neutral and non-polar, at codon 100 of the GJB2 protein (p.His100Leu). This variant is present in population databases (no rsID available, gnomAD 0.01%). This missense change has been observed in individual(s) with autosomal recessive deafness (PMID: 19371219, 24256046). ClinVar contains an entry for this variant (Variation ID: 633242). Invitae Evidence Modeling of protein sequence and biophysical properties (such as structural, functional, and spatial information, amino acid conservation, physicochemical variation, residue mobility, and thermodynamic stability) indicates that this missense variant is expected to disrupt GJB2 protein function with a positive predictive value of 95%. Experimental studies have shown that this missense change affects GJB2 function (PMID: 26749107). This variant disrupts the p.His100 amino acid residue in GJB2. Other variant(s) that disrupt this residue have been determined to be pathogenic (PMID: 11102979, 16467727, 20553101, 21287563, 26749107). This suggests that this residue is clinically significant, and that variants that disrupt this residue are likely to be disease-causing. In summary, the currently available evidence indicates that the variant is pathogenic, but additional data are needed to prove that conclusively. Therefore, this variant has been classified as Likely Pathogenic.

GeneDx
Classification: Pathogenic. Last evaluated: 2024-10-14. Review status: criteria provided, single submitter. Criteria: GeneDx Variant Classification Process June 2021. Collection method: clinical testing. Allele origin: germline. Affected: yes.
Comment: Published functional studies demonstrate a damaging effect on hemichannel permeability (PMID: 26749107); Not observed at significant frequency in large population cohorts (gnomAD); In silico analysis supports that this missense variant has a deleterious effect on protein structure/function; This variant is associated with the following publications: (PMID: 24256046, 16950989, 25388846, 36493725, 36048236, 26749107, 19371219)

Women's Health and Genetics/Laboratory Corporation of America, LabCorp
Classification: Pathogenic for Autosomal recessive nonsyndromic hearing loss 1A. Last evaluated: 2024-09-18. Review status: criteria provided, single submitter. Criteria: LabCorp Variant Classification Summary - May 2015. Collection method: clinical testing. Allele origin: germline.
Comment: Variant summary: GJB2 c.299A>T (p.His100Leu) results in a non-conservative amino acid change located in the Connexin, N-terminal domain (IPR013092) of the encoded protein sequence. Three of five in-silico tools predict a damaging effect of the variant on protein function. The variant was absent in 251208 control chromosomes (gnomAD). c.299A>T has been reported in the literature in individuals affected with Autosomal Recessive Non-Syndromic Hearing Loss (Primignani 2009, Du 2014). These data indicate that the variant may be associated with disease. A different variant affecting the same codon has been classified as pathogenic by our lab (c.298C>T, p.His100Tyr), supporting the critical relevance of codon 100 to GJB2 protein function. At least one publication reports experimental evidence evaluating an impact on protein function, finding that the variant protein did not function normally as a homo-oligomeric GJ channel, showing defective transfer activity (Kim 2016). The following publications have been ascertained in the context of this evaluation (PMID: 19371219, 24256046, 26749107). ClinVar contains an entry for this variant (Variation ID: 633242). Based on the evidence outlined above, the variant was classified as pathogenic.

Laboratory for Molecular Medicine, Mass General Brigham Personalized Medicine
Classification: Likely pathogenic for Nonsyndromic genetic hearing loss. Last evaluated: 2023-02-02. Review status: criteria provided, single submitter. Criteria: ACMG Guidelines, 2015. Collection method: clinical testing. Allele origin: germline.
Comment: The p.His100Leu variant in GJB2 has been reported in 2 individuals with hearing loss, one of whom was compound heterozygous for the variant and a pathogenic GJB2 variant (Gardner 2006 PMID: 16950989, Du 2014 PMID: 24256046). It has also been identified in 0.005% (2/41452) of African/African American chromosomes by gnomAD, v.3, and is reported in ClinVar (Variation ID 633242). In vitro functional studies suggest the variant impairs channel permeability (Kim 2016 PMID: 26749107). In addition, computational prediction tools and conservation analyses suggest that this variant may impact the protein, though this information is not predictive enough to determine pathogenicity. Another variant involving this codon (p.His100Tyr) has been identified in individuals with nonsyndromic hearing loss and is classified as pathogenic by this laboratory. In summary, although additional studies are required to fully establish its clinical significance, this variant meets criteria to be classified as likely pathogenic for autosomal recessive von Willebrand disease. ACMG/AMP criteria applied: PM3, PM5, PS3_Supporting, PM2_Supporting.

Literature cited by the submitters: PubMed 19371219 (cited by Labcorp Genetics (formerly Invitae), Labcorp and Women's Health and Genetics/Laboratory Corporation of America, LabCorp); PubMed 24256046 (cited by Labcorp Genetics (formerly Invitae), Labcorp and Women's Health and Genetics/Laboratory Corporation of America, LabCorp); PubMed 26749107 (cited by Labcorp Genetics (formerly Invitae), Labcorp and Women's Health and Genetics/Laboratory Corporation of America, LabCorp); PubMed 11102979 (cited by Labcorp Genetics (formerly Invitae), Labcorp); PubMed 16467727 (cited by Labcorp Genetics (formerly Invitae), Labcorp); PubMed 20553101 (cited by Labcorp Genetics (formerly Invitae), Labcorp); PubMed 21287563 (cited by Labcorp Genetics (formerly Invitae), Labcorp).

NM_004004.6(GJB2):c.299A>T (p.His100Leu)

Gene: GJB2 (gap junction protein beta 2; minus strand). Cytogenetic location: 13q12.11.
Variant type: single nucleotide variant.
Coding change: c.299A>T on transcript NM_004004.6 (MANE Select); coding-DNA position 299, A replaced by T.
Protein change: p.His100Leu; replaces histidine 100 with leucine.
Molecular consequence: missense variant.
Genome position (GRCh38, 1-based): chr13:20,189,283, T>A on the plus strand (A>T on the coding strand, the complement: GJB2 is on the minus strand). VCF-style: chr13-20189283-T-A. GRCh37 (hg19) VCF-style: chr13-20763422-T-A.
Other names: short protein forms H100L.
Identifiers: ClinVar variation 633242 (VCV000633242.10), dbSNP rs1422767764, ClinGen allele CA387461446.
Genomic context (GRCh38, chr13:20,189,283, plus strand): 5'-TCCTCGATGTCCTTAAATTCACTCTTTATCTCCCCCTTGATGAACTTCCTCTTCTTCTCA[T>A]GTCTCCGGTAGGCCACGTGCATGGCCACTAGGAGCGCTGGCGTGGACACGAAGATCAGCT-3'
Protein context (NP_003995.2, residues 90-110): LVAMHVAYRR[His100Leu]EKKRKFIKGE